The following is an entry in ClinVar:

NM_002541.4(OGDH):c.1980G>A (p.Ala660=)

Gene: OGDH (oxoglutarate dehydrogenase; plus strand). Cytogenetic location: 7p13.
Variant type: single nucleotide variant.
Coding change: c.1980G>A on transcript NM_002541.4 (MANE Select); coding-DNA position 1980, G replaced by A.
Protein change: p.Ala660=; no amino-acid change (alanine 660 retained).
Molecular consequence: synonymous variant.
Genome position (GRCh38, 1-based): chr7:44,696,993, G>A. VCF-style: chr7-44696993-G-A. GRCh37 (hg19) VCF-style: chr7-44736592-G-A.
Other names: c.1968G>A, p.Ala656= (NM_001165036.2); c.2013G>A, p.Ala671= (NM_001363523.2).
Identifiers: ClinVar variation 3054492 (VCV003054492.2), dbSNP rs57529168, ClinGen allele CA4243988.

ClinVar aggregate classification (germline): Likely benign (0 of 4 stars; one submission).

Conditions:
OGDH-related disorder. Also called: OGDH-related condition.

Allele frequency attached by ClinVar (database versions not stated): 1000 Genomes Project 30x 0.00047; 1000 Genomes Project 0.00060.
gnomAD v4.1: 31 of 1,614,228 alleles (0.0019%); highest among the groups gnomAD compares: East Asian, 0.027%; no homozygotes.

Submission:

PreventionGenetics, part of Exact Sciences
Classification: Likely benign for OGDH-related condition. Last evaluated: 2023-11-22. Review status: no assertion criteria provided. Collection method: clinical testing. Allele origin: germline.
Comment: This variant is classified as likely benign based on ACMG/AMP sequence variant interpretation guidelines (Richards et al. 2015 PMID: 25741868, with internal and published modifications).